The following is an entry in ClinVar:

ClinVar aggregate classification (germline): Uncertain significance (1 of 4 stars; one submission).

Conditions:
Intellectual developmental disorder, autosomal dominant 1. Also called: Intellectual disability, autosomal dominant 1; MBD5 Haploinsufficiency. Identifiers: Orphanet 228402, MedGen C1969562, MONDO:0007974, OMIM 156200.

Submission:

Labcorp Genetics (formerly Invitae), Labcorp
Classification: Uncertain significance for Intellectual developmental disorder, autosomal dominant 1. Last evaluated: 2022-08-20. Review status: criteria provided, single submitter. Criteria: Invitae Variant Classification Sherloc (09022015). Collection method: clinical testing. Allele origin: germline.
Comment: In summary, the available evidence is currently insufficient to determine the role of this variant in disease. Therefore, it has been classified as a Variant of Uncertain Significance. Algorithms developed to predict the effect of missense changes on protein structure and function (SIFT, PolyPhen-2, Align-GVGD) all suggest that this variant is likely to be disruptive. This variant has not been reported in the literature in individuals affected with MBD5-related conditions. This variant is not present in population databases (gnomAD no frequency). This sequence change replaces proline, which is neutral and non-polar, with leucine, which is neutral and non-polar, at codon 243 of the MBD5 protein (p.Pro243Leu).

NM_001378120.1(MBD5):c.728C>T (p.Pro243Leu)

Gene: MBD5 (methyl-CpG binding domain protein 5; plus strand). Cytogenetic location: 2q23.1.
Variant type: single nucleotide variant.
Coding change: c.728C>T on transcript NM_001378120.1 (MANE Select); coding-DNA position 728, C replaced by T.
Protein change: p.Pro243Leu; replaces proline 243 with leucine.
Molecular consequence: missense variant.
Genome position (GRCh38, 1-based): chr2:148,468,671, C>T. VCF-style: chr2-148468671-C-T. GRCh37 (hg19) VCF-style: chr2-149226240-C-T.
Other names: c.728C>T, p.Pro243Leu (NM_018328.5); short protein forms P243L.
Identifiers: ClinVar variation 1717123 (VCV001717123.6), dbSNP rs2469857293, ClinGen allele CA348717596.